The following is an entry in ClinVar:

ClinVar aggregate classification (germline): Uncertain significance. Review status: criteria provided, multiple submitters, no conflicts (2 of 4 stars). 4 submissions from 4 submitters: Uncertain significance (4). Last evaluated 2023-04-12.

Conditions:
Autosomal recessive limb-girdle muscular dystrophy type 2Q (LGMDR17). Also called: MUSCULAR DYSTROPHY, LIMB-GIRDLE, AUTOSOMAL RECESSIVE 17. Identifiers: Orphanet 254361, MedGen C3150989, MONDO:0013390, OMIM 613723.
Epidermolysis bullosa simplex 5B, with muscular dystrophy (EBS5B). Also called: EPIDERMOLYSIS BULLOSA SIMPLEX AND LIMB-GIRDLE MUSCULAR DYSTROPHY; Epidermolysis bullosa simplex with muscular dystrophy. Identifiers: Orphanet 257, MedGen C2931072, MONDO:0009181, OMIM 226670.
Epidermolysis bullosa simplex, Ogna type (EBS5A). Also called: Pidermolysis bullosa simplex 5A, Ogna type; EPIDERMOLYSIS BULLOSA SIMPLEX 5A, OGNA TYPE. Identifiers: Orphanet 79401, MedGen C0432317, MONDO:0007555, OMIM 131950.
Epidermolysis bullosa simplex 5C, with pyloric atresia (EBS5C). Also called: PLEC-Related Epidermolysis Bullosa with Pyloric Atresia; Epidermolysis bullosa simplex with pyloric atresia; PLEC1-Related Epidermolysis Bullosa with Pyloric Atresia. Identifiers: Orphanet 158684, MedGen C2677349, MONDO:0012807, OMIM 612138.
Epidermolysis bullosa simplex with nail dystrophy (EBS5D). Identifiers: MedGen C4225309, MONDO:0014661, OMIM 616487.
Inborn genetic diseases. Identifiers: MedGen C0950123, MeSH D030342.

Allele frequency attached by ClinVar (database versions not stated): ExAC 0.00001; gnomAD 0.00001; gnomAD exomes 0.00001; TOPMed 0.00001.
gnomAD v4.1: 10 of 1,596,598 alleles (0.00063%); highest among the groups gnomAD compares: Middle Eastern, 0.017%; no homozygotes.

Submissions (4):

Labcorp Genetics (formerly Invitae), Labcorp
Classification: Uncertain significance for Autosomal recessive limb-girdle muscular dystrophy type 2Q; Epidermolysis bullosa simplex, Ogna type; Epidermolysis bullosa simplex with nail dystrophy; Epidermolysis bullosa simplex 5C, with pyloric atresia; Epidermolysis bullosa simplex 5B, with muscular dystrophy. Last evaluated: 2023-04-12. Review status: criteria provided, single submitter. Criteria: Invitae Variant Classification Sherloc (09022015). Collection method: clinical testing. Allele origin: germline.
Comment: In summary, the available evidence is currently insufficient to determine the role of this variant in disease. Therefore, it has been classified as a Variant of Uncertain Significance. An algorithm developed to predict the effect of missense changes on protein structure and function (PolyPhen-2) suggests that this variant is likely to be tolerated. ClinVar contains an entry for this variant (Variation ID: 586338). This variant has not been reported in the literature in individuals affected with PLEC-related conditions. The frequency data for this variant in the population databases is considered unreliable, as metrics indicate poor data quality at this position in the gnomAD database. This sequence change replaces arginine, which is basic and polar, with cysteine, which is neutral and slightly polar, at codon 2166 of the PLEC protein (p.Arg2166Cys).

Ambry Genetics
Classification: Uncertain significance for Inborn genetic diseases. Last evaluated: 2022-08-30. Review status: criteria provided, single submitter. Criteria: Ambry Variant Classification Scheme 2023. Collection method: clinical testing. Allele origin: germline.

Revvity Omics, Revvity
Classification: Uncertain significance. Last evaluated: 2019-09-26. Review status: criteria provided, single submitter. Criteria: ACMG Guidelines, 2015. Collection method: clinical testing. Allele origin: germline.

Athena Diagnostics
Classification: Uncertain significance. Last evaluated: 2018-07-10. Review status: criteria provided, single submitter. Criteria: Athena Diagnostics Criteria. Collection method: clinical testing. Allele origin: germline.

NM_201384.3(PLEC):c.6415C>T (p.Arg2139Cys)

Gene: PLEC (plectin; minus strand). Cytogenetic location: 8q24.3.
Variant type: single nucleotide variant.
Coding change: c.6415C>T on transcript NM_201384.3 (MANE Select); coding-DNA position 6415, C replaced by T.
Protein change: p.Arg2139Cys; replaces arginine 2139 with cysteine.
Molecular consequence: missense variant.
Genome position (GRCh38, 1-based): chr8:143,923,514, G>A on the plus strand (C>T on the coding strand, the complement: PLEC is on the minus strand). VCF-style: chr8-143923514-G-A. GRCh37 (hg19) VCF-style: chr8-144997682-G-A.
Other names: c.6496C>T, p.Arg2166Cys (NM_000445.5); c.6373C>T, p.Arg2125Cys (NM_201378.4); c.6349C>T, p.Arg2117Cys (NM_201379.3); c.6826C>T, p.Arg2276Cys (NM_201380.4); c.6319C>T, p.Arg2107Cys (NM_201381.3); c.6415C>T, p.Arg2139Cys (NM_201382.4); c.6427C>T, p.Arg2143Cys (NM_201383.3); short protein forms R2107C, R2117C, R2125C, R2139C, R2143C, R2166C, R2276C.
Identifiers: ClinVar variation 586338 (VCV000586338.10), dbSNP rs782717631, ClinGen allele CA4926004.